The following is an entry in ClinVar:

ClinVar aggregate classification (germline): Benign/Likely benign. Review status: criteria provided, multiple submitters, no conflicts (2 of 4 stars). 12 submissions from 12 submitters: Benign (9); Likely benign (1). 2 of the submissions do not count toward it. Last evaluated 2026-02-04.

Conditions:
Glycine encephalopathy. Also called: Non-ketotic hyperglycinemia; Nonketotic hyperglycinemia. Identifiers: Orphanet 407, MedGen C0751748, MONDO:0011612, HP:0008288.

Allele frequency attached by ClinVar (database versions not stated): 1000 Genomes Project 0.20128; 1000 Genomes Project 30x 0.20362; TOPMed 0.25844; gnomAD exomes 0.27612 and 0.29819; gnomAD 0.28593; ESP Exome Variant Server 0.28894.
gnomAD v4.1: 478,693 of 1,613,826 alleles (30%); highest among the groups gnomAD compares: Middle Eastern, 32%; 75,268 homozygotes.

Submissions (12):

Labcorp Genetics (formerly Invitae), Labcorp
Classification: Benign for Glycine encephalopathy. Last evaluated: 2026-02-04. Review status: criteria provided, single submitter. Criteria: Invitae Variant Classification Sherloc (09022015). Collection method: clinical testing. Allele origin: germline.

Blueprint Genetics
Classification: Likely benign. Last evaluated: 2024-11-26. Review status: criteria provided, single submitter. Criteria: ACMG Guidelines, 2015. Collection method: clinical testing. Allele origin: germline.

Genome-Nilou Lab
Classification: Benign for Glycine encephalopathy 1. Last evaluated: 2021-07-10. Review status: criteria provided, single submitter. Criteria: ACMG Guidelines, 2015. Collection method: clinical testing. Allele origin: germline. Affected: no.

Women's Health and Genetics/Laboratory Corporation of America, LabCorp
Classification: Benign. Last evaluated: 2020-07-26. Review status: criteria provided, single submitter. Criteria: LabCorp Variant Classification Summary - May 2015. Collection method: clinical testing. Allele origin: germline.

GeneDx
Classification: Benign. Last evaluated: 2019-07-22. Review status: criteria provided, single submitter. Criteria: GeneDx Variant Classification Process June 2021. Collection method: clinical testing. Allele origin: germline. Affected: yes.
Comment: This variant is associated with the following publications: (PMID: 28502726, 12948742, 22171071)

Mayo Clinic Laboratories, Mayo Clinic
Classification: Benign. Last evaluated: 2018-04-02. Review status: criteria provided, single submitter. Criteria: ACMG Guidelines, 2015. Collection method: clinical testing. Allele origin: germline. Observed: 226 variant alleles.

Illumina Laboratory Services, Illumina
Classification: Benign for Glycine encephalopathy 1. Last evaluated: 2018-01-13. Review status: criteria provided, single submitter. Criteria: ICSL Variant Classification Criteria 13 December 2019. Collection method: clinical testing. Allele origin: germline.
Comment: This variant was observed in the ICSL laboratory as part of a predisposition screen in an ostensibly healthy population. It had not been previously curated by ICSL or reported in the Human Gene Mutation Database (HGMD: prior to June 1st, 2018), and was therefore a candidate for classification through an automated scoring system. Utilizing variant allele frequency, disease prevalence and penetrance estimates, and inheritance mode, an automated score was calculated to assess if this variant is too frequent to cause the disease. Based on the score and internal cut-off values, a variant classified as benign is not then subjected to further curation. The score for this variant resulted in a classification of benign for this disease.

Genome Diagnostics Laboratory, University Medical Center Utrecht
Classification: Benign for Glycine encephalopathy 1. Last evaluated: 2016-11-14. Review status: criteria provided, single submitter. Criteria: ACGS Guidelines, 2013. Collection method: clinical testing. Allele origin: germline. Affected: yes. Study: VKGL Data-share Consensus.

Breakthrough Genomics
Classification: Benign. Review status: criteria provided, single submitter. Criteria: ACMG Guidelines, 2015. Collection method: not provided. Allele origin: germline. Inheritance: Autosomal recessive inheritance. Affected: yes.

PreventionGenetics, part of Exact Sciences
Classification: Benign. Review status: criteria provided, single submitter. Criteria: ACMG Guidelines, 2015. Collection method: clinical testing. Allele origin: germline.

Natera, Inc.
Classification: Benign for Non-ketotic hyperglycinemia. Last evaluated: 2019-11-20. Review status: no assertion criteria provided. Collection method: clinical testing. Allele origin: germline. Not counted in ClinVar's aggregate classification.

Diagnostic Laboratory, Department of Genetics, University Medical Center Groningen
Classification: Benign for Glycine encephalopathy 1. Review status: no assertion criteria provided. Collection method: clinical testing. Allele origin: germline. Affected: yes. Study: VKGL Data-share Consensus. Not counted in ClinVar's aggregate classification.

NM_000481.4(AMT):c.954G>A (p.Arg318=)

Gene: AMT (aminomethyltransferase; minus strand). Cytogenetic location: 3p21.31.
Variant type: single nucleotide variant.
Coding change: c.954G>A on transcript NM_000481.4 (MANE Select); coding-DNA position 954, G replaced by A.
Protein change: p.Arg318=; no amino-acid change (arginine 318 retained).
Molecular consequence: synonymous variant. On other transcripts: non-coding transcript variant (1).
Genome position (GRCh38, 1-based): chr3:49,417,897, C>T on the plus strand (G>A on the coding strand, the complement: AMT is on the minus strand). VCF-style: chr3-49417897-C-T. GRCh37 (hg19) VCF-style: chr3-49455330-C-T.
Other names: p.Arg318=; c.822G>A, p.Arg274= (NM_001164710.2); c.786G>A, p.Arg262= (NM_001164711.2); c.954G>A, p.Arg318= (NM_001164712.2).
Identifiers: ClinVar variation 256240 (VCV000256240.26), dbSNP rs11715915, ClinGen allele CA2398194.